The following is an entry in ClinVar:

NM_006767.4(LZTR1):c.1943-3C>T

Gene: LZTR1 (leucine zipper like post translational regulator 1; plus strand). Cytogenetic location: 22q11.21.
Variant type: single nucleotide variant.
Coding change: c.1943-3C>T on transcript NM_006767.4 (MANE Select); 3 bases into the intron before coding-DNA position 1943, C replaced by T.
Molecular consequence: intron variant.
Genome position (GRCh38, 1-based): chr22:20,995,743, C>T. VCF-style: chr22-20995743-C-T. GRCh37 (hg19) VCF-style: chr22-21350032-C-T.
Identifiers: ClinVar variation 1399412 (VCV001399412.10), dbSNP rs979727897, ClinGen allele CA322270895.
Genomic context (GRCh38, chr22:20,995,743, plus strand): 5'-TGCCGTGGGGCCCCAAGGCCAGAATCCCAGGCTGTACCTGCTCAGGGACCCTCCTACCCC[C>T]AGGCACATCTCTGATCCAGGACATGAAGGCATACCTGGAGGGAGCGGGCGCGGAATTCTG-3'

ClinVar aggregate classification (germline): Uncertain significance. Review status: criteria provided, multiple submitters, no conflicts (2 of 4 stars). 2 submissions from 2 submitters: Uncertain significance (2). Last evaluated 2026-05-26.

Conditions:
Hereditary cancer-predisposing syndrome. Also called: Tumor predisposition; Neoplastic Syndromes, Hereditary; Hereditary Cancer Syndrome; Hereditary neoplastic syndrome. Identifiers: Orphanet 140162, MedGen C0027672, MeSH D009386, MONDO:0015356.
Cardiovascular phenotype. Identifiers: MedGen CN230736.

gnomAD v4.1: 6 of 1,613,522 alleles (0.00037%); highest among the groups gnomAD compares: Non-Finnish European, 0.00042%; no homozygotes.

Submissions (2):

Ambry Genetics
Classification: Uncertain significance for Cardiovascular phenotype; Hereditary cancer-predisposing syndrome. Last evaluated: 2026-05-26. Review status: criteria provided, single submitter. Criteria: Ambry Variant Classification Scheme 2023. Collection method: clinical testing. Allele origin: germline.
Comment: The c.1943-3C>T intronic alteration consists of a C to T substitution 3 nucleotides before coding exon 17 in the LZTR1 gene. Based on data from gnomAD, the T allele has an overall frequency of <0.001% (0/251006) total alleles studied. The highest observed frequency was <0.001% (/) of alleles. Based on insufficient or conflicting evidence, the clinical significance of this alteration remains unclear.

Labcorp Genetics (formerly Invitae), Labcorp
Classification: Uncertain significance. Last evaluated: 2025-10-20. Review status: criteria provided, single submitter. Criteria: Invitae Variant Classification Sherloc (09022015). Collection method: clinical testing. Allele origin: germline.
Comment: This sequence change falls in intron 16 of the LZTR1 gene. It does not directly change the encoded amino acid sequence of the LZTR1 protein. It affects a nucleotide within the consensus splice site. This variant is not present in population databases (gnomAD no frequency). This variant has not been reported in the literature in individuals affected with LZTR1-related conditions. ClinVar contains an entry for this variant (Variation ID: 1399412). Variants that disrupt the consensus splice site are a relatively common cause of aberrant splicing (PMID: 17576681, 9536098). Algorithms developed to predict the effect of sequence changes on RNA splicing suggest that this variant is not likely to affect RNA splicing. In summary, the available evidence is currently insufficient to determine the role of this variant in disease. Therefore, it has been classified as a Variant of Uncertain Significance.

Literature cited by the submitters: PubMed 17576681 (cited by Labcorp Genetics (formerly Invitae), Labcorp); PubMed 9536098 (cited by Labcorp Genetics (formerly Invitae), Labcorp).